The following is an entry in ClinVar:

ClinVar aggregate classification (germline): Uncertain significance. Review status: criteria provided, multiple submitters, no conflicts (2 of 4 stars). 2 submissions from 2 submitters: Uncertain significance (2). Last evaluated 2024-03-12.

Conditions:
Early-infantile DEE. Also called: Early infantile epileptic encephalopathy; Ohtahara syndrome; Early infantile epileptic encephalopathy with suppression bursts. Identifiers: Orphanet 1934, MedGen C0393706, MONDO:0800491.

Submissions (2):

Blueprint Genetics
Classification: Uncertain significance. Last evaluated: 2024-03-12. Review status: criteria provided, single submitter. Criteria: ACMG Guidelines, 2015. Collection method: clinical testing. Allele origin: germline.

Labcorp Genetics (formerly Invitae), Labcorp
Classification: Uncertain significance for Early-infantile DEE. Last evaluated: 2022-03-26. Review status: criteria provided, single submitter. Criteria: Invitae Variant Classification Sherloc (09022015). Collection method: clinical testing. Allele origin: germline.
Comment: In summary, the available evidence is currently insufficient to determine the role of this variant in disease. Therefore, it has been classified as a Variant of Uncertain Significance. Advanced modeling of protein sequence and biophysical properties (such as structural, functional, and spatial information, amino acid conservation, physicochemical variation, residue mobility, and thermodynamic stability) performed at Invitae indicates that this missense variant is not expected to disrupt KCNH5 protein function. This variant has not been reported in the literature in individuals affected with KCNH5-related conditions. This variant is not present in population databases (gnomAD no frequency). This sequence change replaces serine, which is neutral and polar, with asparagine, which is neutral and polar, at codon 318 of the KCNH5 protein (p.Ser318Asn).

NM_139318.5(KCNH5):c.953G>A (p.Ser318Asn)

Gene: KCNH5 (potassium voltage-gated channel subfamily H member 5; minus strand). Cytogenetic location: 14q23.2.
Variant type: single nucleotide variant.
Coding change: c.953G>A on transcript NM_139318.5 (MANE Select); coding-DNA position 953, G replaced by A.
Protein change: p.Ser318Asn; replaces serine 318 with asparagine.
Molecular consequence: missense variant.
Genome position (GRCh38, 1-based): chr14:62,950,549, C>T on the plus strand (G>A on the coding strand, the complement: KCNH5 is on the minus strand). VCF-style: chr14-62950549-C-T. GRCh37 (hg19) VCF-style: chr14-63417267-C-T.
Other names: c.953G>A, p.Ser318Asn (NM_172375.3); short protein forms S318N.
Identifiers: ClinVar variation 2117635 (VCV002117635.5), dbSNP rs2503005542, ClinGen allele CA390103581.
Genomic context (GRCh38, chr14:62,950,549, plus strand): 5'-AGTTTCCTAGCCACACGGCCCAGTCGTAAGAGACGCACCACTTTTAAAGAACTGAAGAGA[C>T]TGCTGATTCCCTGGATTTAAAAAAAAAAAAAAAATTACACCACATTTTCAGGAAAAAAAA-3'
Protein context (NP_647479.2, residues 308-328): AFENVDEGIS[Ser318Asn]LFSSLKVVRL